The following is an entry in ClinVar:

NM_003072.5(SMARCA4):c.995C>G (p.Ser332Cys)

Gene: SMARCA4 (SWI/SNF related BAF chromatin remodeling complex subunit ATPase 4; plus strand). Cytogenetic location: 19p13.2.
Variant type: single nucleotide variant.
Coding change: c.995C>G on transcript NM_003072.5 (MANE Select); coding-DNA position 995, C replaced by G.
Protein change: p.Ser332Cys; replaces serine 332 with cysteine.
Molecular consequence: missense variant. On other transcripts: non-coding transcript variant (1).
Genome position (GRCh38, 1-based): chr19:10,987,801, C>G. VCF-style: chr19-10987801-C-G. GRCh37 (hg19) VCF-style: chr19-11098477-C-G.
Other names: c.995C>G, p.Ser332Cys (NM_001128848.2, NM_001128849.3, NM_001374457.1 and 5 more transcripts); short protein forms S332C.
Identifiers: ClinVar variation 480657 (VCV000480657.17), dbSNP rs1013942482, ClinGen allele CA404058600.

ClinVar aggregate classification (germline): Uncertain significance. Review status: criteria provided, multiple submitters, no conflicts (2 of 4 stars). 3 submissions from 3 submitters: Uncertain significance (3). Last evaluated 2024-03-16.

Conditions:
Hereditary cancer-predisposing syndrome. Also called: Hereditary Cancer Syndrome; Neoplastic Syndromes, Hereditary; Tumor predisposition; Hereditary neoplastic syndrome. Identifiers: Orphanet 140162, MedGen C0027672, MeSH D009386, MONDO:0015356.
Rhabdoid tumor predisposition syndrome 2 (RTPS2). Identifiers: Orphanet 231108, Orphanet 69077, MedGen C2750074, MONDO:0013224, OMIM 613325.
Intellectual disability, autosomal dominant 16 (CSS4). Also called: COFFIN-SIRIS SYNDROME 4. Identifiers: Orphanet 1465, MedGen C3553249, MONDO:0013821, OMIM 614609.

Allele frequency attached by ClinVar (database versions not stated): gnomAD exomes below 0.00001.
gnomAD v4.1: 1 of 1,602,976 alleles (0.000062%); highest among the groups gnomAD compares: Non-Finnish European, 0.000085%; no homozygotes.

Submissions (3):

Labcorp Genetics (formerly Invitae), Labcorp
Classification: Uncertain significance for Rhabdoid tumor predisposition syndrome 2. Last evaluated: 2024-03-16. Review status: criteria provided, single submitter. Criteria: Invitae Variant Classification Sherloc (09022015). Collection method: clinical testing. Allele origin: germline.
Comment: This sequence change replaces serine, which is neutral and polar, with cysteine, which is neutral and slightly polar, at codon 332 of the SMARCA4 protein (p.Ser332Cys). This variant is not present in population databases (gnomAD no frequency). This variant has not been reported in the literature in individuals affected with SMARCA4-related conditions. ClinVar contains an entry for this variant (Variation ID: 480657). Advanced modeling of protein sequence and biophysical properties (such as structural, functional, and spatial information, amino acid conservation, physicochemical variation, residue mobility, and thermodynamic stability) has been performed at Invitae for this missense variant, however the output from this modeling did not meet the statistical confidence thresholds required to predict the impact of this variant on SMARCA4 protein function. In summary, the available evidence is currently insufficient to determine the role of this variant in disease. Therefore, it has been classified as a Variant of Uncertain Significance.

Ambry Genetics
Classification: Uncertain significance for Hereditary cancer-predisposing syndrome. Last evaluated: 2024-01-02. Review status: criteria provided, single submitter. Criteria: Ambry Variant Classification Scheme 2023. Collection method: clinical testing. Allele origin: germline.
Comment: The p.S332C variant (also known as c.995C>G), located in coding exon 5 of the SMARCA4 gene, results from a C to G substitution at nucleotide position 995. The serine at codon 332 is replaced by cysteine, an amino acid with dissimilar properties. This amino acid position is well conserved in available vertebrate species. In addition, the in silico prediction for this alteration is inconclusive. Missense and in-frame variants in SMARCA4 are known to cause neurodevelopmental disorders; however, such associations with rhabdoid tumor predisposition syndrome including small cell carcinoma of the ovary-hypercalcemic type (SCCOHT) are exceedingly rare (Kosho T et al. Am J Med Genet C Semin Med Genet. 2014 Sep;166C(3):262-75; Jelinic P et al. Nat Genet. 2014 May;46(5):424-6). Since supporting evidence is limited at this time, the clinical significance of this alteration remains unclear.

Genome-Nilou Lab
Classification: Uncertain significance for Intellectual disability, autosomal dominant 16. Last evaluated: 2021-07-15. Review status: criteria provided, single submitter. Criteria: ACMG Guidelines, 2015. Collection method: clinical testing. Allele origin: germline. Affected: no.